The following is an entry in ClinVar:

NM_004385.5(VCAN):c.1921T>C (p.Ser641Pro)

Gene: VCAN (versican; plus strand). Cytogenetic location: 5q14.3.
Variant type: single nucleotide variant.
Coding change: c.1921T>C on transcript NM_004385.5 (MANE Select); coding-DNA position 1921, T replaced by C.
Protein change: p.Ser641Pro; replaces serine 641 with proline.
Molecular consequence: missense variant. On other transcripts: intron variant (2).
Genome position (GRCh38, 1-based): chr5:83,520,227, T>C. VCF-style: chr5-83520227-T-C. GRCh37 (hg19) VCF-style: chr5-82816046-T-C.
Other names: c.1921T>C, p.Ser641Pro (NM_001164098.2); c.1042+7831T>C (NM_001164097.2, NM_001126336.3); short protein forms S641P.
Identifiers: ClinVar variation 1520127 (VCV001520127.8), dbSNP rs761622471, ClinGen allele CA360302159.
Genomic context (GRCh38, chr5:83,520,227, plus strand): 5'-GACTGGGAAGAGAGACAAACTAGTGGTAGGATAACGGAAGAGTTTCTTGGCAAATATCTG[T>C]CTACTACACCTTTTCCATCACAGCATCGTACAGAAATAGAATTGTTTCCTTATTCTGGTG-3'
Protein context (NP_004376.2, residues 631-651): ITEEFLGKYL[Ser641Pro]TTPFPSQHRT

ClinVar aggregate classification (germline): Uncertain significance (1 of 4 stars; one submission).

Allele frequency attached by ClinVar (database versions not stated): TOPMed below 0.00001; gnomAD 0.00001; gnomAD exomes 0.00001.
gnomAD v4.1: 8 of 1,613,912 alleles (0.0005%); highest among the groups gnomAD compares: East Asian, 0.0045%; no homozygotes.

Submission:

Labcorp Genetics (formerly Invitae), Labcorp
Classification: Uncertain significance. Last evaluated: 2025-08-21. Review status: criteria provided, single submitter. Criteria: Invitae Variant Classification Sherloc (09022015). Collection method: clinical testing. Allele origin: germline.
Comment: This sequence change replaces serine, which is neutral and polar, with proline, which is neutral and non-polar, at codon 641 of the VCAN protein (p.Ser641Pro). This variant is not present in population databases (gnomAD no frequency). This variant has not been reported in the literature in individuals affected with VCAN-related conditions. ClinVar contains an entry for this variant (Variation ID: 1520127). An algorithm developed to predict the effect of missense changes on protein structure and function outputs the following: PolyPhen-2: "Benign". The proline amino acid residue is found in multiple mammalian species, which suggests that this missense change does not adversely affect protein function. In summary, the available evidence is currently insufficient to determine the role of this variant in disease. Therefore, it has been classified as a Variant of Uncertain Significance.